The following is an entry in ClinVar:

NM_005356.5(LCK):c.655C>G (p.Arg219Gly)

Gene: LCK (LCK proto-oncogene, Src family tyrosine kinase; plus strand). Cytogenetic location: 1p35.2.
Variant type: single nucleotide variant.
Coding change: c.655C>G on transcript NM_005356.5 (MANE Select); coding-DNA position 655, C replaced by G.
Protein change: p.Arg219Gly; replaces arginine 219 with glycine.
Molecular consequence: missense variant. On other transcripts: intron variant (1).
Genome position (GRCh38, 1-based): chr1:32,276,360, C>G. VCF-style: chr1-32276360-C-G. GRCh37 (hg19) VCF-style: chr1-32741961-C-G.
Other names: c.655C>G, p.Arg219Gly (NM_001042771.3); c.632-247C>G (NM_001330468.2); short protein forms R219G.
Identifiers: ClinVar variation 2084419 (VCV002084419.4), dbSNP rs559884474, ClinGen allele CA339638632.

ClinVar aggregate classification (germline): Uncertain significance (1 of 4 stars; one submission).

Conditions:
Severe combined immunodeficiency due to LCK deficiency. Also called: Immunodeficiency 22. Identifiers: Orphanet 280142, MedGen C4014233, MONDO:0014334, OMIM 615758.

gnomAD v4.1: 1 of 1,607,810 alleles (0.000062%); highest among the groups gnomAD compares: Non-Finnish European, 0.000085%; no homozygotes.

Submission:

Labcorp Genetics (formerly Invitae), Labcorp
Classification: Uncertain significance for Severe combined immunodeficiency due to LCK deficiency. Last evaluated: 2023-05-08. Review status: criteria provided, single submitter. Criteria: Invitae Variant Classification Sherloc (09022015). Collection method: clinical testing. Allele origin: germline.
Comment: An algorithm developed to predict the effect of missense changes on protein structure and function (PolyPhen-2) suggests that this variant is likely to be tolerated. In summary, the available evidence is currently insufficient to determine the role of this variant in disease. Therefore, it has been classified as a Variant of Uncertain Significance. ClinVar contains an entry for this variant (Variation ID: 2084419). This variant has not been reported in the literature in individuals affected with LCK-related conditions. This variant is not present in population databases (gnomAD no frequency). This sequence change replaces arginine, which is basic and polar, with glycine, which is neutral and non-polar, at codon 219 of the LCK protein (p.Arg219Gly).